The following is an entry in ClinVar:

ClinVar aggregate classification (germline): Uncertain significance (1 of 4 stars; one submission).

Conditions:
Purine-nucleoside phosphorylase deficiency. Also called: Immunodeficiency due to purine nucleoside phosphorylase deficiency; NUCLEOSIDE PHOSPHORYLASE DEFICIENCY. Identifiers: Orphanet 760, MedGen C0268125, MONDO:0013171, OMIM 613179.

Allele frequency attached by ClinVar (database versions not stated): TOPMed below 0.00001.

Submission:

Labcorp Genetics (formerly Invitae), Labcorp
Classification: Uncertain significance for Purine-nucleoside phosphorylase deficiency. Last evaluated: 2020-06-24. Review status: criteria provided, single submitter. Criteria: Invitae Variant Classification Sherloc (09022015). Collection method: clinical testing. Allele origin: germline.
Comment: This sequence change replaces arginine with proline at codon 158 of the PNP protein (p.Arg158Pro). The arginine residue is highly conserved and there is a moderate physicochemical difference between arginine and proline. This variant is not present in population databases (ExAC no frequency). This variant has not been reported in the literature in individuals with PNP-related conditions. Algorithms developed to predict the effect of missense changes on protein structure and function are either unavailable or do not agree on the potential impact of this missense change (SIFT: "Deleterious"; PolyPhen-2: "Possibly Damaging"; Align-GVGD: "Class C0"). In summary, the available evidence is currently insufficient to determine the role of this variant in disease. Therefore, it has been classified as a Variant of Uncertain Significance.

NM_000270.4(PNP):c.473G>C (p.Arg158Pro)

Gene: PNP (purine nucleoside phosphorylase; plus strand). Cytogenetic location: 14q11.2.
Variant type: single nucleotide variant.
Coding change: c.473G>C on transcript NM_000270.4 (MANE Select); coding-DNA position 473, G replaced by C.
Protein change: p.Arg158Pro; replaces arginine 158 with proline.
Molecular consequence: missense variant.
Genome position (GRCh38, 1-based): chr14:20,475,073, G>C. VCF-style: chr14-20475073-G-C. GRCh37 (hg19) VCF-style: chr14-20943232-G-C.
Other names: short protein forms R158P.
Identifiers: ClinVar variation 1006027 (VCV001006027.8), dbSNP rs1014717549, ClinGen allele CA257418220.